The following is an entry in ClinVar:

NM_002465.4(MYBPC1):c.795_803dup (p.Arg268_Met269insLeuLysArg)

Gene: MYBPC1 (myosin binding protein C1; plus strand). Cytogenetic location: 12q23.2.
Variant type: Duplication.
Coding change: c.795_803dup on transcript NM_002465.4 (MANE Select); coding-DNA positions 795 to 803, 9 bases duplicated (ACTCAAGCG; older notation c.795_803dupACTCAAGCG).
Protein change: p.Arg268_Met269insLeuLysArg.
Genome position (GRCh38, 1-based): chr12:101,642,548-101,642,556, ACTCAAGCG duplicated; duplicating any 9 consecutive bases within chr12:101,642,540-101,642,556 gives the same sequence; the c. name uses the placement nearest the transcript's 3' end. VCF-style (leftmost placement, unchanged base first): chr12-101642539-G-GCTCAAGCGA. GRCh37 (hg19) VCF-style: chr12-102036317-G-GCTCAAGCGA.
Other names: c.720_728dup, p.Arg243_Met244insLeuLysArg (NM_001254718.3, NM_001254719.3, NM_206820.4 and 1 more transcripts); c.684_692dup, p.Arg231_Met232insLeuLysArg (NM_001254720.3); c.663_671dup, p.Arg224_Met225insLeuLysArg (NM_001254721.3, NM_001404676.1, NM_001404678.1); c.642_650dup, p.Arg217_Met218insLeuLysArg (NM_001254722.3, NM_001404680.1); c.681_689dup, p.Arg230_Met231insLeuLysArg (NM_001254723.3); c.795_803dup, p.Arg268_Met269insLeuLysArg (NM_001404675.1, NM_206819.4); c.585_593dup, p.Arg198_Met199insLeuLysArg (NM_001404677.1, NM_001404679.1, NM_001404681.1).
Identifiers: ClinVar variation 4082076 (VCV004082076.1).
Genomic context (GRCh38, chr12:101,642,539, plus strand): 5'-GAAACCCAGTGAGTACGAGAAGATCGCCTTCCAGTATGGAATCACCGACCTGCGCGGCAT[G>GCTCAAGCGA]CTCAAGCGACTCAAGCGCATGCGCAGAGAGGAGAAGAAGAGCGCAGGTGAGCGCTCCCGG-3'

ClinVar aggregate classification (germline): Likely pathogenic (1 of 4 stars; one submission).

Conditions:
Myopathy, congenital, with tremor. Also called: CONGENITAL MYOPATHY 16; myogenic tremor. Identifiers: MedGen C5231401, MONDO:0032797, OMIM 618524.

Submission:

Diagnostic Laboratory, Strasbourg University Hospital
Classification: Likely pathogenic for Myopathy, congenital, with tremor. Last evaluated: 2025-08-25. Review status: criteria provided, single submitter. Criteria: ACMG Guidelines, 2015. Collection method: clinical testing. Allele origin: paternal. Inheritance: Autosomal dominant inheritance. Affected: yes. Observed: 1 heterozygote.
Comment: The variant is in the M-domain of slow-skeletal Myosin Binding Protein-C (sMyBP-C) and a functional impact was assessed. A biochemical characterization of the wild-type and mutant sMyBP-C uncovered the previously unknown structure and properties of the slow-skeletal M-domain. Further, it showed that the LKR-duplication alters the biochemical properties and conformational dynamics of the slow skeletal M-domain.